The following is an entry in ClinVar:

ClinVar aggregate classification (germline): Uncertain significance (1 of 4 stars; one submission).

Allele frequency attached by ClinVar (database versions not stated): gnomAD exomes below 0.00001.
gnomAD v4.1: 2 of 1,545,636 alleles (0.00013%); highest among the groups gnomAD compares: East Asian, 0.0024%; no homozygotes.

Submission:

GeneDx
Classification: Uncertain significance. Last evaluated: 2022-10-18. Review status: criteria provided, single submitter. Criteria: GeneDx Variant Classification Process June 2021. Collection method: clinical testing. Allele origin: germline. Affected: yes.
Comment: Not observed at significant frequency in large population cohorts (gnomAD); In silico analysis supports that this missense variant does not alter protein structure/function; Has not been previously published as pathogenic or benign to our knowledge

NM_031475.3(ESPN):c.761A>G (p.Lys254Arg)

Gene: ESPN (espin; plus strand). Cytogenetic location: 1p36.31.
Variant type: single nucleotide variant.
Coding change: c.761A>G on transcript NM_031475.3 (MANE Select); coding-DNA position 761, A replaced by G.
Protein change: p.Lys254Arg; replaces lysine 254 with arginine.
Molecular consequence: missense variant.
Genome position (GRCh38, 1-based): chr1:6,440,711, A>G. VCF-style: chr1-6440711-A-G. GRCh37 (hg19) VCF-style: chr1-6500771-A-G.
Other names: c.761A>G, p.Lys254Arg (NM_001367473.1, NM_001367474.1); short protein forms K254R.
Identifiers: ClinVar variation 2499883 (VCV002499883.1), dbSNP rs2522813284, ClinGen allele CA338089847.
Genomic context (GRCh38, chr1:6,440,711, plus strand): 5'-CCGAGCAGGACAAAGACGGCGCCACCGCCATGCACTTCGCGGCGAGCCGCGGCCACACCA[A>G]GGTGCTCAGCTGGCTGCTGCTGCACGGCGGGGAGATCTCGGCTGACCTGTGGGGCGGGAC-3'
Protein context (NP_113663.2, residues 244-264): MHFAASRGHT[Lys254Arg]VLSWLLLHGG